The following is an entry in ClinVar:

NM_003336.4(UBE2A):c.421_422del (p.Val141fs)

Gene: UBE2A (ubiquitin conjugating enzyme E2 A; plus strand). Cytogenetic location: Xq24.
Variant type: Microsatellite.
Coding change: c.421_422del on transcript NM_003336.4 (MANE Select); coding-DNA positions 421 to 422, 2 bases deleted (GT; older notation c.421_422delGT).
Protein change: p.Val141fs; shifts the reading frame from valine 141.
Molecular consequence: frameshift variant.
Genome position (GRCh38, 1-based): chrX:119,583,217-119,583,218, GT deleted; deleting any 2 consecutive bases within chrX:119,583,215-119,583,218 gives the same sequence; the c. name uses the placement nearest the transcript's 3' end. VCF-style (leftmost placement, unchanged base first): chrX-119583214-CGT-C. GRCh37 (hg19) VCF-style: chrX-118717177-CGT-C.
Other names: c.322_323del, p.Val108fs (NM_001282161.2); c.331_332del, p.Val111fs (NM_181762.3); short protein forms V108fs, V111fs, V141fs.
Identifiers: ClinVar variation 1333497 (VCV001333497.1), dbSNP rs2147382084, ClinGen allele CA2580612298.
Genomic context (GRCh38, chrX:119,583,214, plus strand): 5'-AGTCCAGCAAACAGCCAGGCTGCTCAGCTGTACCAGGAGAACAAACGGGAATATGAAAAG[CGT>C]GTTTCTGCAATAGTAGAACAAAGCTGGCGTGATTGTTGACCCCGGGTACAGTTTAAAGAA-3'

ClinVar aggregate classification (germline): Likely pathogenic (1 of 4 stars; one submission).

Conditions:
Intellectual developmental disorder, X-linked, syndromic, Nascimento type. Also called: MENTAL RETARDATION, X-LINKED, SYNDROMIC 30; Syndromic X-linked intellectual disability Nascimento type. Identifiers: Orphanet 163956, MedGen C3275464, MONDO:0010461, OMIM 300860.

Submission:

3billion
Classification: Likely pathogenic for Intellectual developmental disorder, X-linked, syndromic, Nascimento type. Last evaluated: 2022-01-03. Review status: criteria provided, single submitter. Criteria: ACMG Guidelines, 2015. Collection method: clinical testing. Allele origin: germline. Affected: yes. Observed: 1 hemizygote.
Comment: Frameshift: predicted to result in a loss or disruption of normal protein function through protein truncation. The predicted truncated protein may be shortened by more than 10% (PVS1_S). It is not observed in the gnomAD v2.1.1 dataset (PM2_M). Therefore, this variant is classified as likely pathogenic according to the recommendation of ACMG/AMP guideline.